The following is an entry in ClinVar:

NM_201384.3(PLEC):c.1977G>T (p.Ser659=)

Gene: PLEC (plectin; minus strand). Cytogenetic location: 8q24.3.
Variant type: single nucleotide variant.
Coding change: c.1977G>T on transcript NM_201384.3 (MANE Select); coding-DNA position 1977, G replaced by T.
Protein change: p.Ser659=; no amino-acid change (serine 659 retained).
Molecular consequence: synonymous variant.
Genome position (GRCh38, 1-based): chr8:143,932,400, C>A on the plus strand (G>T on the coding strand, the complement: PLEC is on the minus strand). VCF-style: chr8-143932400-C-A. GRCh37 (hg19) VCF-style: chr8-145006568-C-A.
Other names: c.2058G>T, p.Ser686= (NM_000445.5); c.1935G>T, p.Ser645= (NM_201378.4); c.1911G>T, p.Ser637= (NM_201379.3); c.2388G>T, p.Ser796= (NM_201380.4); c.1881G>T, p.Ser627= (NM_201381.3); c.1977G>T, p.Ser659= (NM_201382.4); c.1989G>T, p.Ser663= (NM_201383.3).
Identifiers: ClinVar variation 1056280 (VCV001056280.5), dbSNP rs536284705, ClinGen allele CA4927768.

ClinVar aggregate classification (germline): Uncertain significance (1 of 4 stars; one submission).

Conditions:
Epidermolysis bullosa simplex 5B, with muscular dystrophy (EBS5B). Also called: Epidermolysis bullosa simplex with muscular dystrophy; EPIDERMOLYSIS BULLOSA SIMPLEX AND LIMB-GIRDLE MUSCULAR DYSTROPHY. Identifiers: Orphanet 257, MedGen C2931072, MONDO:0009181, OMIM 226670.
Epidermolysis bullosa simplex 5C, with pyloric atresia (EBS5C). Also called: Epidermolysis bullosa simplex with pyloric atresia; PLEC-Related Epidermolysis Bullosa with Pyloric Atresia; PLEC1-Related Epidermolysis Bullosa with Pyloric Atresia. Identifiers: Orphanet 158684, MedGen C2677349, MONDO:0012807, OMIM 612138.
Epidermolysis bullosa simplex, Ogna type (EBS5A). Also called: Pidermolysis bullosa simplex 5A, Ogna type; EPIDERMOLYSIS BULLOSA SIMPLEX 5A, OGNA TYPE. Identifiers: Orphanet 79401, MedGen C0432317, MONDO:0007555, OMIM 131950.
Autosomal recessive limb-girdle muscular dystrophy type 2Q (LGMDR17). Also called: MUSCULAR DYSTROPHY, LIMB-GIRDLE, AUTOSOMAL RECESSIVE 17. Identifiers: Orphanet 254361, MedGen C3150989, MONDO:0013390, OMIM 613723.
Epidermolysis bullosa simplex with nail dystrophy (EBS5D). Identifiers: MedGen C4225309, MONDO:0014661, OMIM 616487.

Allele frequency attached by ClinVar (database versions not stated): 1000 Genomes Project 30x 0.00016; 1000 Genomes Project 0.00020.
gnomAD v4.1: 5 of 1,612,760 alleles (0.00031%); highest among the groups gnomAD compares: Non-Finnish European, 0.00034%; no homozygotes.

Submission:

Labcorp Genetics (formerly Invitae), Labcorp
Classification: Uncertain significance for Autosomal recessive limb-girdle muscular dystrophy type 2Q; Epidermolysis bullosa simplex, Ogna type; Epidermolysis bullosa simplex with nail dystrophy; Epidermolysis bullosa simplex 5C, with pyloric atresia; Epidermolysis bullosa simplex 5B, with muscular dystrophy. Last evaluated: 2020-06-30. Review status: criteria provided, single submitter. Criteria: Invitae Variant Classification Sherloc (09022015). Collection method: clinical testing. Allele origin: germline.
Comment: In summary, the available evidence is currently insufficient to determine the role of this variant in disease. Therefore, it has been classified as a Variant of Uncertain Significance. Nucleotide substitutions within the consensus splice site are a relatively common cause of aberrant splicing (PMID: 17576681, 9536098). Algorithms developed to predict the effect of sequence changes on RNA splicing suggest that this variant may disrupt the consensus splice site, but this prediction has not been confirmed by published transcriptional studies. This variant has not been reported in the literature in individuals with PLEC-related conditions. This variant is present in population databases (rs536284705, ExAC 0.002%). This sequence change affects codon 686 of the PLEC mRNA. It is a 'silent' change, meaning that it does not change the encoded amino acid sequence of the PLEC protein. This variant also falls at the last nucleotide of exon 17 of the PLEC coding sequence, which is part of the consensus splice site for this exon.

Literature cited by the submitters: PubMed 17576681; PubMed 9536098.